The following is an entry in ClinVar:

NM_007294.4(BRCA1):c.820T>C (p.Cys274Arg)

Gene: BRCA1 (BRCA1 DNA repair associated; minus strand). Cytogenetic location: 17q21.31.
Variant type: single nucleotide variant.
Coding change: c.820T>C on transcript NM_007294.4 (MANE Select); coding-DNA position 820, T replaced by C.
Protein change: p.Cys274Arg; replaces cysteine 274 with arginine.
Molecular consequence: missense variant. On other transcripts: intron variant (137), 5 prime UTR variant (2).
Genome position (GRCh38, 1-based): chr17:43,094,711, A>G on the plus strand (T>C on the coding strand, the complement: BRCA1 is on the minus strand). VCF-style: chr17-43094711-A-G. GRCh37 (hg19) VCF-style: chr17-41246728-A-G.
Other names: c.667+1135T>C (NM_001408424.1, NM_001408431.1, NM_001408421.1); c.784+33T>C (NM_001408407.1, NM_001408402.1, NM_001408473.1 and 13 more transcripts); c.709+33T>C (NM_001408409.1, NM_001408412.1, NM_001408414.1 and 2 more transcripts); c.574+33T>C (NM_001408493.1, NM_001408490.1, NM_001408491.1); c.454+33T>C (NM_001408502.1); c.577+33T>C (NM_001408489.1, NM_001408479.1, NM_001408481.1 and 9 more transcripts); c.664+33T>C (NM_001408443.1, NM_001408439.1, NM_001408425.1 and 12 more transcripts); c.670+1135T>C (NM_001408419.1, NM_001408423.1, NM_001408420.1 and 2 more transcripts); and 40 more; short protein forms C274R, C227R, C162R, C204R, C233R, C273R, C106R, C163R.
Identifiers: ClinVar variation 841619 (VCV000841619.18), dbSNP rs755285181, ClinGen allele CA10600442.

ClinVar aggregate classification (germline): Conflicting classifications of pathogenicity. Review status: criteria provided, conflicting classifications (1 of 4 stars). 4 submissions from 4 submitters: Uncertain significance (3); Likely benign (1). Last evaluated 2024-03-06.

Conditions:
Hereditary cancer-predisposing syndrome. Also called: Hereditary Cancer Syndrome; Hereditary neoplastic syndrome; Tumor predisposition; Neoplastic Syndromes, Hereditary. Identifiers: Orphanet 140162, MedGen C0027672, MeSH D009386, MONDO:0015356.
Hereditary breast ovarian cancer syndrome. Also called: Breast and ovarian cancer; Hereditary breast and ovarian cancer syndrome; Hereditary breast and ovarian cancer syndrome (HBOC); BRCA1- and BRCA2-Associated Hereditary Breast and Ovarian Cancer; Hereditary breast and ovarian cancer; Hereditary breast and/or ovarian cancer syndrome. Identifiers: Orphanet 145, MedGen C0677776, MeSH D061325, MONDO:0003582. Disease mechanism: loss of function.

Submissions (4):

Color Diagnostics, LLC DBA Color Health
Classification: Uncertain significance for Hereditary cancer-predisposing syndrome. Last evaluated: 2024-03-06. Review status: criteria provided, single submitter. Criteria: ACMG Guidelines, 2015. Collection method: clinical testing. Allele origin: germline.
Comment: This missense variant replaces cysteine with arginine at codon 274 of the BRCA1 protein. Computational prediction is inconclusive regarding the impact of this variant on protein structure and function (internally defined REVEL score threshold 0.5 < inconclusive < 0.7, PMID: 27666373). To our knowledge, functional studies have not been reported for this variant. This variant has not been reported in individuals affected with hereditary cancer in the literature. This variant has not been identified in the general population by the Genome Aggregation Database (gnomAD). The available evidence is insufficient to determine the role of this variant in disease conclusively. Therefore, this variant is classified as a Variant of Uncertain Significance.

University of Washington Department of Laboratory Medicine, University of Washington
Classification: Likely benign for Hereditary cancer-predisposing syndrome. Last evaluated: 2023-03-23. Review status: criteria provided, single submitter. Criteria: Dines et al. (Genet Med. 2020). Collection method: curation. Allele origin: germline.
Comment: Missense variant in a coldspot region where missense variants are very unlikely to be pathogenic (PMID:31911673).

BRCA1 coldspot (exon 11 using historical exon numbering). Reclassification based on statistical prior probability

Ambry Genetics
Classification: Uncertain significance for Hereditary cancer-predisposing syndrome. Last evaluated: 2020-08-11. Review status: criteria provided, single submitter. Criteria: Ambry Variant Classification Scheme 2023. Collection method: clinical testing. Allele origin: germline.
Comment: The p.C274R variant (also known as c.820T>C), located in coding exon 9 of the BRCA1 gene, results from a T to C substitution at nucleotide position 820. The cysteine at codon 274 is replaced by arginine, an amino acid with highly dissimilar properties. This amino acid position is well conserved in available vertebrate species. In addition, the in silico prediction for this alteration is inconclusive. Since supporting evidence is limited at this time, the clinical significance of this alteration remains unclear.

Labcorp Genetics (formerly Invitae), Labcorp
Classification: Uncertain significance for Hereditary breast ovarian cancer syndrome. Last evaluated: 2019-04-08. Review status: criteria provided, single submitter. Criteria: Invitae Variant Classification Sherloc (09022015). Collection method: clinical testing. Allele origin: germline.
Comment: In summary, the available evidence is currently insufficient to determine the role of this variant in disease. Therefore, it has been classified as a Variant of Uncertain Significance. Algorithms developed to predict the effect of missense changes on protein structure and function are either unavailable or do not agree on the potential impact of this missense change (SIFT: "Tolerated"; PolyPhen-2: "Possibly Damaging"; Align-GVGD: "Class C0"). This variant has not been reported in the literature in individuals with BRCA1-related conditions. This variant is not present in population databases (ExAC no frequency). This sequence change replaces cysteine with arginine at codon 274 of the BRCA1 protein (p.Cys274Arg). The cysteine residue is moderately conserved and there is a large physicochemical difference between cysteine and arginine.